The following is an entry in ClinVar:

ClinVar aggregate classification (germline): Conflicting classifications of pathogenicity. Review status: criteria provided, conflicting classifications (1 of 4 stars). 8 submissions from 8 submitters: Uncertain significance (7); Likely benign (1). Last evaluated 2025-07-14.

Conditions:
Gastric adenocarcinoma and proximal polyposis of the stomach (GAPPS). Also called: POLYPOSIS, GASTRIC; Polyposis, gastric, Dos Santos and de Magalhaes 1980; Gastric Adenocarcinoma and Proximal Polyposis of the Stomach (GAPPS). Identifiers: Orphanet 314022, MedGen C4749917, MONDO:0017790, OMIM 619182.
Colorectal cancer. Also called: Malignant Colorectal Neoplasm; Colorectal cancer, somatic. Identifiers: MedGen C0346629, MONDO:0005575, OMIM 114500.
Gastric cancer. Also called: Stomach cancer; Malignant tumor of stomach. Identifiers: MedGen C0024623, MeSH D013274, MONDO:0001056, OMIM 613659, HP:0012126.
Hepatocellular carcinoma (HCC). Also called: Primary carcinoma of liver; HEPATOMA; LIVER CELL CARCINOMA. Identifiers: Orphanet 88673, MedGen C2239176, MONDO:0007256, OMIM 114550, HP:0001402.
Desmoid disease, hereditary (DESMD). Also called: FIBROMATOSIS, FAMILIAL INFILTRATIVE. Identifiers: Orphanet 873, MedGen C1851124, OMIM 135290. Disease mechanism: loss of function.
Familial adenomatous polyposis 1 (FAP1). Also called: POLYPOSIS, ADENOMATOUS INTESTINAL; FAMILIAL ADENOMATOUS POLYPOSIS 1, ATTENUATED. Identifiers: MedGen C2713442, MONDO:0021056, OMIM 175100. Disease mechanism: loss of function.
Hereditary cancer-predisposing syndrome. Also called: Neoplastic Syndromes, Hereditary; Hereditary Cancer Syndrome; Tumor predisposition; Hereditary neoplastic syndrome. Identifiers: Orphanet 140162, MedGen C0027672, MeSH D009386, MONDO:0015356.

Submissions (8):

Color Diagnostics, LLC DBA Color Health
Classification: Uncertain significance for Hereditary cancer-predisposing syndrome. Last evaluated: 2025-07-14. Review status: criteria provided, single submitter. Criteria: ACMG Guidelines, 2015. Collection method: clinical testing. Allele origin: germline.
Comment: This missense variant replaces glutamine with glutamic acid at codon 445 of the APC protein. Computational prediction suggests that this variant may not impact protein structure and function. To our knowledge, functional studies have not been reported for this variant. This variant has not been reported in individuals affected with APC-related disorders in the literature. This variant has not been identified in the general population by the Genome Aggregation Database (gnomAD). The available evidence is insufficient to determine the role of this variant in disease conclusively. Therefore, this variant is classified as a Variant of Uncertain Significance.

Ambry Genetics
Classification: Likely benign for Hereditary cancer-predisposing syndrome. Last evaluated: 2025-04-10. Review status: criteria provided, single submitter. Criteria: Ambry Variant Classification Scheme 2023. Collection method: clinical testing. Allele origin: germline.

Labcorp Genetics (formerly Invitae), Labcorp
Classification: Uncertain significance for Familial adenomatous polyposis 1. Last evaluated: 2024-09-05. Review status: criteria provided, single submitter. Criteria: Invitae Variant Classification Sherloc (09022015). Collection method: clinical testing. Allele origin: germline.
Comment: This sequence change replaces glutamine, which is neutral and polar, with glutamic acid, which is acidic and polar, at codon 445 of the APC protein (p.Gln445Glu). This variant is not present in population databases (gnomAD no frequency). This variant has not been reported in the literature in individuals affected with APC-related conditions. ClinVar contains an entry for this variant (Variation ID: 230838). Invitae Evidence Modeling of protein sequence and biophysical properties (such as structural, functional, and spatial information, amino acid conservation, physicochemical variation, residue mobility, and thermodynamic stability) indicates that this missense variant is not expected to disrupt APC protein function with a negative predictive value of 95%. In summary, the available evidence is currently insufficient to determine the role of this variant in disease. Therefore, it has been classified as a Variant of Uncertain Significance.

GeneDx
Classification: Uncertain significance. Last evaluated: 2023-10-16. Review status: criteria provided, single submitter. Criteria: GeneDx Variant Classification Process June 2021. Collection method: clinical testing. Allele origin: germline. Affected: yes.
Comment: Not observed at significant frequency in large population cohorts (gnomAD); In silico analysis supports that this missense variant has a deleterious effect on protein structure/function; Has not been previously published as pathogenic or benign to our knowledge

Baylor Genetics
Classification: Uncertain significance for Familial adenomatous polyposis 1. Last evaluated: 2023-08-09. Review status: criteria provided, single submitter. Criteria: ACMG Guidelines, 2015. Collection method: clinical testing. Allele origin: unknown.

Fulgent Genetics
Classification: Uncertain significance for Colorectal cancer; Hepatocellular carcinoma; Desmoid disease, hereditary; Familial adenomatous polyposis 1; Gastric cancer; Gastric adenocarcinoma and proximal polyposis of the stomach. Last evaluated: 2022-05-14. Review status: criteria provided, single submitter. Criteria: ACMG Guidelines, 2015. Collection method: clinical testing. Allele origin: unknown.

CeGaT Center for Human Genetics Tuebingen
Classification: Uncertain significance. Last evaluated: 2017-10-01. Review status: criteria provided, single submitter. Criteria: CeGaT Center For Human Genetics Tuebingen Variant Classification Criteria Version 2. Collection method: clinical testing. Allele origin: germline. Affected: yes. Observed: 1 variant allele.

Women's Health and Genetics/Laboratory Corporation of America, LabCorp
Classification: Uncertain significance. Last evaluated: 2017-06-05. Review status: criteria provided, single submitter. Criteria: LabCorp Variant Classification Summary - May 2015. Collection method: clinical testing. Allele origin: germline.
Comment: Variant summary: The APC c.1333C>G (p.Gln445Glu) variant causes a missense change involving the alteration of a conserved nucleotide. 2/4 in silico tools predict a benign outcome for this variant (SNPsandGO not captured due to low reliability index). The variant of interest is absent in a large, broad control population, ExAC in 120462 control chromosomes. In addition, one clinical diagnostic laboratory classified this variant as uncertain significance. The variant of interest has not, to our knowledge, been reported in affected individuals via publications; nor evaluated for functional impact by in vivo/vitro studies. Because of the absence of clinical information and the lack of functional studies, the variant is classified as a variant of uncertain significance (VUS).

NM_000038.6(APC):c.1333C>G (p.Gln445Glu)

Gene: APC (APC regulator of Wnt signaling pathway; plus strand). Cytogenetic location: 5q22.2.
Variant type: single nucleotide variant.
Coding change: c.1333C>G on transcript NM_000038.6 (MANE Select); coding-DNA position 1333, C replaced by G.
Protein change: p.Gln445Glu; replaces glutamine 445 with glutamic acid.
Molecular consequence: missense variant.
Genome position (GRCh38, 1-based): chr5:112,821,916, C>G. VCF-style: chr5-112821916-C-G. GRCh37 (hg19) VCF-style: chr5-112157613-C-G.
Other names: c.1333C>G, p.Gln445Glu (NM_001127510.3, NM_001354895.2, NM_001354896.2); c.1279C>G, p.Gln427Glu (NM_001127511.3); c.1363C>G, p.Gln455Glu (NM_001354897.2); c.1258C>G, p.Gln420Glu (NM_001354898.2); c.1249C>G, p.Gln417Glu (NM_001354899.2); c.1156C>G, p.Gln386Glu (NM_001354900.2, NM_001354901.2); c.1060C>G, p.Gln354Glu (NM_001354902.2); c.1030C>G, p.Gln344Glu (NM_001354903.2); and 3 more; short protein forms Q427E, Q445E, Q162E, Q285E, Q319E, Q354E, Q386E, Q417E.
Identifiers: ClinVar variation 230838 (VCV000230838.61), dbSNP rs876658802, ClinGen allele CA10578313.